The following is an entry in ClinVar:

NM_001013838.3(CARMIL2):c.1510-2A>T

Gene: CARMIL2 (capping protein regulator and myosin 1 linker 2; plus strand). Cytogenetic location: 16q22.1.
Variant type: single nucleotide variant.
Coding change: c.1510-2A>T on transcript NM_001013838.3 (MANE Select); the canonical splice acceptor site of the intron before coding-DNA position 1510, A replaced by T.
Molecular consequence: splice acceptor variant.
Genome position (GRCh38, 1-based): chr16:67,648,891, A>T. VCF-style: chr16-67648891-A-T. GRCh37 (hg19) VCF-style: chr16-67682794-A-T.
Other names: c.1402-2A>T (NM_001317026.3).
Identifiers: ClinVar variation 2743131 (VCV002743131.3), dbSNP rs2543550025, ClinGen allele CA396336917.

ClinVar aggregate classification (germline): Likely pathogenic (1 of 4 stars; one submission).

Submission:

Labcorp Genetics (formerly Invitae), Labcorp
Classification: Likely pathogenic. Last evaluated: 2023-07-13. Review status: criteria provided, single submitter. Criteria: Invitae Variant Classification Sherloc (09022015). Collection method: clinical testing. Allele origin: germline.
Comment: This variant has not been reported in the literature in individuals affected with CARMIL2-related conditions. This variant is not present in population databases (gnomAD no frequency). This sequence change affects an acceptor splice site in intron 16 of the CARMIL2 gene. It is expected to disrupt RNA splicing. Variants that disrupt the donor or acceptor splice site typically lead to a loss of protein function (PMID: 16199547), and loss-of-function variants in CARMIL2 are known to be pathogenic (PMID: 27647349, 28112205). In summary, the currently available evidence indicates that the variant is pathogenic, but additional data are needed to prove that conclusively. Therefore, this variant has been classified as Likely Pathogenic. Algorithms developed to predict the effect of sequence changes on RNA splicing suggest that this variant may disrupt the consensus splice site.

Literature cited by the submitters: PubMed 16199547; PubMed 27647349; PubMed 28112205.